The following is an entry in ClinVar:

ClinVar aggregate classification (germline): Pathogenic (1 of 4 stars; one submission).

Conditions:
Hereditary factor IX deficiency disease (HEMB). Also called: F9 DEFICIENCY; FACTOR IX DEFICIENCY; PLASMA THROMBOPLASTIN COMPONENT DEFICIENCY; Hemophilia B; Christmas Disease. Identifiers: Orphanet 98879, MedGen C0008533, MeSH D002836, MONDO:0010604, OMIM 306900.

Submission:

North West Genomic Laboratory Hub, Manchester University NHS Foundation Trust
Classification: Pathogenic for Factor IX deficiency. Last evaluated: 2025-05-15. Review status: criteria provided, single submitter. Criteria: ACGS Best Practice Guidelines for Variant Classification in Rare Disease 2024. Collection method: clinical testing. Allele origin: germline. Affected: yes.
Comment: PP4_Mod PM2_Mod PVS1_VStr PS4_Mod

NM_000133.4(F9):c.253-1G>A

Gene: F9 (coagulation factor IX; plus strand). Cytogenetic location: Xq27.1.
Variant type: single nucleotide variant.
Coding change: c.253-1G>A on transcript NM_000133.4 (MANE Select); the canonical splice acceptor site of the intron before coding-DNA position 253, G replaced by A.
Molecular consequence: splice acceptor variant.
Genome position (GRCh38, 1-based): chrX:139,537,361, G>A. VCF-style: chrX-139537361-G-A. GRCh37 (hg19) VCF-style: chrX-138619520-G-A.
Other names: c.253-1G>A (NM_001313913.2).
Identifiers: ClinVar variation 4853812 (VCV004853812.1).